The following is an entry in ClinVar:

ClinVar aggregate classification (germline): Uncertain significance (1 of 4 stars; one submission).

Allele frequency attached by ClinVar (database versions not stated): gnomAD 0.00001; TOPMed 0.00002.

Submission:

Labcorp Genetics (formerly Invitae), Labcorp
Classification: Uncertain significance. Last evaluated: 2022-07-30. Review status: criteria provided, single submitter. Criteria: Invitae Variant Classification Sherloc (09022015). Collection method: clinical testing. Allele origin: germline.
Comment: In summary, the available evidence is currently insufficient to determine the role of this variant in disease. Therefore, it has been classified as a Variant of Uncertain Significance. Variants that disrupt the consensus splice site are a relatively common cause of aberrant splicing (PMID: 17576681, 9536098). Algorithms developed to predict the effect of sequence changes on RNA splicing suggest that this variant is not likely to affect RNA splicing. This variant has not been reported in the literature in individuals affected with MYO18B-related conditions. This variant is not present in population databases (gnomAD no frequency). This sequence change falls in intron 31 of the MYO18B gene. It does not directly change the encoded amino acid sequence of the MYO18B protein. It affects a nucleotide within the consensus splice site.

Literature cited by the submitters: PubMed 17576681; PubMed 9536098.

NM_032608.7(MYO18B):c.5149-3C>T

Gene: MYO18B (myosin XVIIIB; plus strand). Cytogenetic location: 22q12.1.
Variant type: single nucleotide variant.
Coding change: c.5149-3C>T on transcript NM_032608.7 (MANE Select); 3 bases into the intron before coding-DNA position 5149, C replaced by T.
Molecular consequence: intron variant.
Genome position (GRCh38, 1-based): chr22:25,908,319, C>T. VCF-style: chr22-25908319-C-T. GRCh37 (hg19) VCF-style: chr22-26304286-C-T.
Other names: c.5152-3C>T (NM_001318245.2).
Identifiers: ClinVar variation 1944749 (VCV001944749.4), dbSNP rs968566219, ClinGen allele CA322772904.